The following is an entry in ClinVar:

ClinVar aggregate classification (germline): Uncertain significance. Review status: criteria provided, multiple submitters, no conflicts (2 of 4 stars). 3 submissions from 3 submitters: Uncertain significance (3). Last evaluated 2025-07-07.

Conditions:
Cardiovascular phenotype. Identifiers: MedGen CN230736.
Cardiomyopathy (CMYO). Also called: Cardiomyopathies. Identifiers: Orphanet 167848, MedGen C0878544, MONDO:0004994, HP:0001638. Inheritance: Various modes of inheritance.

gnomAD v4.1: 1 of 1,614,200 alleles (0.000062%); highest among the groups gnomAD compares: Non-Finnish European, 0.000085%; no homozygotes.

Submissions (3):

Color Diagnostics, LLC DBA Color Health
Classification: Uncertain significance for Cardiomyopathy. Last evaluated: 2025-07-07. Review status: criteria provided, single submitter. Criteria: ACMG Guidelines, 2015. Collection method: clinical testing. Allele origin: germline.
Comment: This missense variant replaces glutamic acid with aspartic acid at codon 217 of the LMNA protein. Computational prediction suggests that this variant may have deleterious impact on protein structure and function. To our knowledge, functional studies have not been reported for this variant. This variant has not been reported in individuals affected with LMNA-related disorders in the literature. This variant has not been identified in the general population by the Genome Aggregation Database (gnomAD). The available evidence is insufficient to determine the role of this variant in disease conclusively. Therefore, this variant is classified as a Variant of Uncertain Significance.

Molecular Diagnostic Laboratory for Inherited Cardiovascular Disease, Montreal Heart Institute
Classification: Uncertain significance for Cardiovascular phenotype. Last evaluated: 2025-04-09. Review status: criteria provided, single submitter. Criteria: ACMG Guidelines, 2015. Collection method: clinical testing. Allele origin: germline. Affected: yes.
Comment: PM2, PP2, PP3

Blueprint Genetics
Classification: Uncertain significance. Last evaluated: 2023-10-20. Review status: criteria provided, single submitter. Criteria: ACMG Guidelines, 2015. Collection method: clinical testing. Allele origin: germline.

NM_170707.4(LMNA):c.651G>C (p.Glu217Asp)

Gene: LMNA (lamin A/C; plus strand). Cytogenetic location: 1q22.
Variant type: single nucleotide variant.
Coding change: c.651G>C on transcript NM_170707.4 (MANE Select); coding-DNA position 651, G replaced by C.
Protein change: p.Glu217Asp; replaces glutamic acid 217 with aspartic acid.
Molecular consequence: missense variant. On other transcripts: 5 prime UTR variant (4).
Genome position (GRCh38, 1-based): chr1:156,134,816, G>C. VCF-style: chr1-156134816-G-C. GRCh37 (hg19) VCF-style: chr1-156104607-G-C.
Other names: c.315G>C, p.Glu105Asp (NM_001257374.3, NM_001406989.1, NM_001406998.1); c.408G>C, p.Glu136Asp (NM_001282624.2, NM_001406986.1, NM_001406987.1); c.651G>C, p.Glu217Asp (NM_001282625.2, NM_001282626.2, NM_001406983.1 and 6 more transcripts); c.354G>C, p.Glu118Asp (NM_001406988.1); c.93G>C, p.Glu31Asp (NM_001406990.1, NM_001406993.1, NM_001406995.1 and 4 more transcripts); c.-14G>C (NM_001406994.1, NM_001406999.1, NM_001407000.1 and 1 more transcripts); short protein forms E105D, E118D, E136D, E217D, E31D.
Identifiers: ClinVar variation 3895291 (VCV003895291.3).